The following is an entry in ClinVar:

ClinVar aggregate classification (germline): Uncertain significance (1 of 4 stars; one submission).

Conditions:
T-cell immunodeficiency with epidermodysplasia verruciformis. Identifiers: Orphanet 324294, MedGen C4749500, MONDO:0017925.

gnomAD v4.1: 1 of 1,614,092 alleles (0.000062%); highest among the groups gnomAD compares: African/African-American, 0.0013%; no homozygotes.

Submission:

Labcorp Genetics (formerly Invitae), Labcorp
Classification: Uncertain significance for T-cell immunodeficiency with epidermodysplasia verruciformis. Last evaluated: 2025-03-13. Review status: criteria provided, single submitter. Criteria: Invitae Variant Classification Sherloc (09022015). Collection method: clinical testing. Allele origin: germline.
Comment: This sequence change replaces serine, which is neutral and polar, with asparagine, which is neutral and polar, at codon 155 of the RHOH protein (p.Ser155Asn). This variant is not present in population databases (gnomAD no frequency). This variant has not been reported in the literature in individuals affected with RHOH-related conditions. An algorithm developed to predict the effect of missense changes on protein structure and function (PolyPhen-2) suggests that this variant is likely to be tolerated. In summary, the available evidence is currently insufficient to determine the role of this variant in disease. Therefore, it has been classified as a Variant of Uncertain Significance.

NM_004310.5(RHOH):c.464G>A (p.Ser155Asn)

Gene: RHOH (ras homolog family member H; plus strand). Cytogenetic location: 4p14.
Variant type: single nucleotide variant.
Coding change: c.464G>A on transcript NM_004310.5 (MANE Select); coding-DNA position 464, G replaced by A.
Protein change: p.Ser155Asn; replaces serine 155 with asparagine.
Molecular consequence: missense variant.
Genome position (GRCh38, 1-based): chr4:40,243,850, G>A. VCF-style: chr4-40243850-G-A. GRCh37 (hg19) VCF-style: chr4-40245470-G-A.
Other names: c.464G>A, p.Ser155Asn (NM_001278359.2, NM_001278360.2, NM_001278361.2 and 9 more transcripts); short protein forms S155N.
Identifiers: ClinVar variation 4715008 (VCV004715008.1).